The following is an entry in ClinVar:

ClinVar aggregate classification (germline): Likely benign (1 of 4 stars; one submission).

gnomAD v4.1: 1 of 1,613,224 alleles (0.000062%); highest among the groups gnomAD compares: South Asian, 0.0011%; no homozygotes.

Submission:

CeGaT Center for Human Genetics Tuebingen
Classification: Likely benign. Last evaluated: 2026-03-01. Review status: criteria provided, single submitter. Criteria: CeGaT Center For Human Genetics Tuebingen Variant Classification Criteria Version 2. Collection method: clinical testing. Allele origin: germline. Affected: yes. Observed: 1 variant allele.
Comment: LAMA1: BP4, BP7

NM_005559.4(LAMA1):c.2709A>G (p.Glu903=)

Gene: LAMA1 (laminin subunit alpha 1; minus strand). Cytogenetic location: 18p11.31.
Variant type: single nucleotide variant.
Coding change: c.2709A>G on transcript NM_005559.4 (MANE Select); coding-DNA position 2709, A replaced by G.
Protein change: p.Glu903=; no amino-acid change (glutamic acid 903 retained).
Molecular consequence: synonymous variant.
Genome position (GRCh38, 1-based): chr18:7,017,377, T>C on the plus strand (A>G on the coding strand, the complement: LAMA1 is on the minus strand). VCF-style: chr18-7017377-T-C. GRCh37 (hg19) VCF-style: chr18-7017376-T-C.
Identifiers: ClinVar variation 4823710 (VCV004823710.4).